The following is an entry in ClinVar:

NM_005618.4(DLL1):c.2124C>T (p.Tyr708=)

Genes: DLL1 (delta like canonical Notch ligand 1; minus strand), LOC126859913 (P300/CBP strongly-dependent group 1 enhancer GRCh37_chr6:170591232-170592431; plus strand). Cytogenetic location: 6q27.
Variant type: single nucleotide variant.
Coding change: c.2124C>T on transcript NM_005618.4 (MANE Select); coding-DNA position 2124, C replaced by T.
Protein change: p.Tyr708=; no amino-acid change (tyrosine 708 retained).
Molecular consequence: synonymous variant.
Genome position (GRCh38, 1-based): chr6:170,283,030, G>A on the plus strand (C>T on the coding strand, the complement: DLL1 is on the minus strand). VCF-style: chr6-170283030-G-A. GRCh37 (hg19) VCF-style: chr6-170592118-G-A.
Identifiers: ClinVar variation 732846 (VCV000732846.33), dbSNP rs150208957, ClinGen allele CA4106609.
Genomic context (GRCh38, chr6:170,283,030, plus strand): 5'-GCTGCTGCCTGCACTGACCTCAGTTGCTATGACGCACTCATCCTTCTCCTCGGATATGAC[G>A]TACACCGACTGGTACTTGGTGTCTTTTGAAGTTGAACAGCCCGAGTCCGGCCTTTTTCTT-3'
Protein context (NP_005609.3, residues 698-718): TSKDTKYQSV[Tyr708=]VISEEKDECV

ClinVar aggregate classification (germline): Likely benign. Review status: criteria provided, multiple submitters, no conflicts (2 of 4 stars). 2 submissions from 2 submitters: Likely benign (2). Last evaluated 2025-10-02.

Allele frequency attached by ClinVar (database versions not stated): gnomAD 0.00005 and 0.00006; gnomAD exomes 0.00009 and 0.00010; TOPMed 0.00009; ExAC 0.00011; ESP Exome Variant Server 0.00015; 1000 Genomes Project 30x 0.00016; 1000 Genomes Project 0.00020.
gnomAD v4.1: 149 of 1,614,114 alleles (0.0092%); highest among the groups gnomAD compares: South Asian, 0.019%; no homozygotes.

Submissions (2):

Labcorp Genetics (formerly Invitae), Labcorp
Classification: Likely benign. Last evaluated: 2025-10-02. Review status: criteria provided, single submitter. Criteria: Invitae Variant Classification Sherloc (09022015). Collection method: clinical testing. Allele origin: germline.

CeGaT Center for Human Genetics Tuebingen
Classification: Likely benign. Last evaluated: 2024-03-01. Review status: criteria provided, single submitter. Criteria: CeGaT Center For Human Genetics Tuebingen Variant Classification Criteria Version 2. Collection method: clinical testing. Allele origin: germline. Affected: yes. Observed: 3 variant alleles.
Comment: DLL1: BP4, BP7